The following is an entry in ClinVar:

NM_001160148.2(DDHD1):c.812G>A (p.Gly271Glu)

Genes: DDHD1 (DDHD domain containing 1; minus strand), LOC130055658 (ATAC-STARR-seq lymphoblastoid active region 8401; plus strand). Cytogenetic location: 14q22.1.
Variant type: single nucleotide variant.
Coding change: c.812G>A on transcript NM_001160148.2 (MANE Select); coding-DNA position 812, G replaced by A.
Protein change: p.Gly271Glu; replaces glycine 271 with glutamic acid.
Molecular consequence: missense variant.
Genome position (GRCh38, 1-based): chr14:53,152,287, C>T on the plus strand (G>A on the coding strand, the complement: DDHD1 is on the minus strand). VCF-style: chr14-53152287-C-T. GRCh37 (hg19) VCF-style: chr14-53619005-C-T.
Other names: c.812G>A, p.Gly271Glu (NM_001160147.2, NM_030637.3); short protein forms G271E.
Identifiers: ClinVar variation 1720620 (VCV001720620.6), dbSNP rs747496321, ClinGen allele CA389779205.
Genomic context (GRCh38, chr14:53,152,287, plus strand): 5'-GCCCGTCCTGCCCTAACCCCGGCCCGCTACTCACGGTTCCAGTACACCGGGTAGCACTCT[C>T]CTTGGGTCACATCCACCTCGTAGAGGCCGCCCCGCACGCACACAGGCTCGATGTTCACAA-3'
Protein context (NP_001153620.1, residues 261-281): GGLYEVDVTQ[Gly271Glu]ECYPVYWNQA

ClinVar aggregate classification (germline): Uncertain significance (1 of 4 stars; one submission).

Conditions:
Hereditary spastic paraplegia 28. Also called: Spastic paraplegia 28, autosomal recessive. Identifiers: Orphanet 101008, MedGen C1836295, MONDO:0012256, OMIM 609340.

gnomAD v4.1: 2 of 1,612,488 alleles (0.00012%); highest among the groups gnomAD compares: South Asian, 0.0022%; no homozygotes.

Submission:

Labcorp Genetics (formerly Invitae), Labcorp
Classification: Uncertain significance for Hereditary spastic paraplegia 28. Last evaluated: 2023-03-22. Review status: criteria provided, single submitter. Criteria: Invitae Variant Classification Sherloc (09022015). Collection method: clinical testing. Allele origin: germline.
Comment: This sequence change replaces glycine, which is neutral and non-polar, with glutamic acid, which is acidic and polar, at codon 271 of the DDHD1 protein (p.Gly271Glu). This variant is not present in population databases (gnomAD no frequency). This variant has not been reported in the literature in individuals affected with DDHD1-related conditions. ClinVar contains an entry for this variant (Variation ID: 1720620). Advanced modeling of protein sequence and biophysical properties (such as structural, functional, and spatial information, amino acid conservation, physicochemical variation, residue mobility, and thermodynamic stability) performed at Invitae indicates that this missense variant is not expected to disrupt DDHD1 protein function. In summary, the available evidence is currently insufficient to determine the role of this variant in disease. Therefore, it has been classified as a Variant of Uncertain Significance.